The following is an entry in ClinVar:

NM_000083.3(CLCN1):c.86A>C (p.His29Pro)

Gene: CLCN1 (chloride voltage-gated channel 1; plus strand). Cytogenetic location: 7q34.
Variant type: single nucleotide variant.
Coding change: c.86A>C on transcript NM_000083.3 (MANE Select); coding-DNA position 86, A replaced by C.
Protein change: p.His29Pro; replaces histidine 29 with proline.
Molecular consequence: missense variant. On other transcripts: non-coding transcript variant (1).
Genome position (GRCh38, 1-based): chr7:143,316,298, A>C. VCF-style: chr7-143316298-A-C. GRCh37 (hg19) VCF-style: chr7-143013391-A-C.
Other names: p.His29Pro; short protein forms H29P.
Identifiers: ClinVar variation 359091 (VCV000359091.66), dbSNP rs146160029, ClinGen allele CA4536816.
Genomic context (GRCh38, chr7:143,316,298, plus strand): 5'-GTGGGGGTGAACAAAGCTGGTGGGGTAGTGACCCCCAGTACCAGTATATGCCCTTTGAAC[A>C]CTGCACCAGCTACGGACTGCCCTCTGAGAATGGGGGCCTCCAGCACAGGCTCCGGAAGGA-3'
Protein context (NP_000074.3, residues 19-39): DPQYQYMPFE[His29Pro]CTSYGLPSEN

ClinVar aggregate classification (germline): Conflicting classifications of pathogenicity. Review status: criteria provided, conflicting classifications (1 of 4 stars). 11 submissions from 11 submitters: Uncertain significance (1); Benign (1); Likely benign (8). 1 of the submissions does not count toward it. Last evaluated 2026-02-02.

Conditions:
CLCN1-related disorder. Also called: CLCN1-related condition.
Batten-Turner congenital myopathy. Also called: Congenital myotonia; Myotonia congenita. Identifiers: Orphanet 206973, MedGen C0027127, MONDO:0100468, OMIM 255300.
Congenital myotonia, autosomal dominant form (THD). Also called: Myotonia congenita autosomal dominant; THOMSEN DISEASE. Identifiers: Orphanet 614, MedGen C2936781, MONDO:0008055, OMIM 160800.
Congenital myotonia, autosomal recessive form. Also called: myotonia congenita, autosomal recessive; BECKER DISEASE; Becker Generalized Myotonia. Identifiers: Orphanet 614, MedGen C0751360, MONDO:0009715, OMIM 255700.

Allele frequency attached by ClinVar (database versions not stated): 1000 Genomes Project 0.00020; 1000 Genomes Project 30x 0.00031; TOPMed 0.00220; gnomAD 0.00231 and 0.00232; ExAC 0.00247; gnomAD exomes 0.00252 and 0.00387; ESP Exome Variant Server 0.00284.
gnomAD v4.1: 6,030 of 1,613,774 alleles (0.37%); highest among the groups gnomAD compares: Middle Eastern, 0.69%; 15 homozygotes.

Submissions (11):

Labcorp Genetics (formerly Invitae), Labcorp
Classification: Likely benign for Congenital myotonia, autosomal recessive form; Congenital myotonia, autosomal dominant form. Last evaluated: 2026-02-02. Review status: criteria provided, single submitter. Criteria: Invitae Variant Classification Sherloc (09022015). Collection method: clinical testing. Allele origin: germline.

Athena Diagnostics
Classification: Uncertain significance. Last evaluated: 2025-11-10. Review status: criteria provided, single submitter. Criteria: Athena Diagnostics Criteria. Collection method: clinical testing. Allele origin: unknown.
Comment: Available data are insufficient to determine the clinical significance of the variant at this time. The frequency of this variant in the general population is higher than would generally be expected for pathogenic variants in this gene. Polyphen and MutationTaster yielded discordant predictions regarding whether this amino acid change is damaging to the protein.

Genomic Medicine Center of Excellence, King Faisal Specialist Hospital and Research Centre
Classification: Likely benign. Last evaluated: 2025-08-18. Review status: criteria provided, single submitter. Criteria: ACMG Guidelines, 2015. Collection method: clinical testing. Allele origin: germline.

Mayo Clinic Laboratories, Mayo Clinic
Classification: Likely benign. Last evaluated: 2025-03-05. Review status: criteria provided, single submitter. Criteria: ACMG Guidelines, 2015. Collection method: clinical testing. Allele origin: germline. Observed: 1 variant allele.
Comment: BS1, BS2, BP2, PP3_moderate

Blueprint Genetics
Classification: Likely benign. Last evaluated: 2024-11-26. Review status: criteria provided, single submitter. Criteria: ACMG Guidelines, 2015. Collection method: clinical testing. Allele origin: germline.

CeGaT Center for Human Genetics Tuebingen
Classification: Likely benign. Last evaluated: 2024-10-01. Review status: criteria provided, single submitter. Criteria: CeGaT Center For Human Genetics Tuebingen Variant Classification Criteria Version 2. Collection method: clinical testing. Allele origin: germline. Affected: yes. Observed: 5 variant alleles.
Comment: CLCN1: BS2

GeneDx
Classification: Likely benign. Last evaluated: 2020-08-06. Review status: criteria provided, single submitter. Criteria: GeneDx Variant Classification Process June 2021. Collection method: clinical testing. Allele origin: germline. Affected: yes.
Comment: This variant is associated with the following publications: (PMID: 24349310, 32117024)

Illumina Laboratory Services, Illumina
Classification: Benign for Myotonia congenita. Last evaluated: 2018-01-13. Review status: criteria provided, single submitter. Criteria: ICSL Variant Classification Criteria 13 December 2019. Collection method: clinical testing. Allele origin: germline.
Comment: This variant was observed in the ICSL laboratory as part of a predisposition screen in an ostensibly healthy population. It had not been previously curated by ICSL or reported in the Human Gene Mutation Database (HGMD: prior to June 1st, 2018), and was therefore a candidate for classification through an automated scoring system. Utilizing variant allele frequency, disease prevalence and penetrance estimates, and inheritance mode, an automated score was calculated to assess if this variant is too frequent to cause the disease. Based on the score and internal cut-off values, a variant classified as benign is not then subjected to further curation. The score for this variant resulted in a classification of benign for this disease.

Breakthrough Genomics
Classification: Likely benign. Review status: criteria provided, single submitter. Criteria: ACMG Guidelines, 2015. Collection method: not provided. Allele origin: germline. Inheritance: Autosomal recessive inheritance. Affected: yes.

Department Of Human Genetics, Institute Of Clinical And Translational Research, Biomedical Research Center, Slovak Academy Of Sciences
Classification: Likely benign for Congenital myotonia, autosomal recessive form; Congenital myotonia, autosomal dominant form. Review status: criteria provided, single submitter. Criteria: ACMG Guidelines, 2015. Collection method: research. Allele origin: germline. Inheritance: Autosomal unknown. Affected: yes. Observed: 1 variant allele.
Comment: This change occurs at a poorly conserved position in the protein, it is predicted to be benign by multiple in silico algorithms, and/or has population frequency not consistent with the disease. Variant c.86A>C was reported in the HGDM database (CM1313396) in cis with another disease-causing variant. It has been published in PMID: 24349310, found in a patient with AR Becker disease, who carried also two other Pathogeniec/Likely pathogenic CLCN1 variants.

PreventionGenetics, part of Exact Sciences
Classification: Likely benign for CLCN1-related condition. Last evaluated: 2020-01-09. Review status: no assertion criteria provided. Collection method: clinical testing. Allele origin: germline. Not counted in ClinVar's aggregate classification.
Comment: This variant is classified as likely benign based on ACMG/AMP sequence variant interpretation guidelines (Richards et al. 2015 PMID: 25741868, with internal and published modifications).

Literature cited by the submitters: PubMed 29935101 (cited by Athena Diagnostics and Mayo Clinic Laboratories, Mayo Clinic); PubMed 24349310 (cited by 3 submitters); PubMed 31928344 (cited by Athena Diagnostics); PubMed 32117024 (cited by Athena Diagnostics and Mayo Clinic Laboratories, Mayo Clinic); PubMed 34529042 (cited by Athena Diagnostics and Mayo Clinic Laboratories, Mayo Clinic).